The following is an entry in ClinVar:

ClinVar aggregate classification (germline): Uncertain significance (0 of 4 stars; one submission).

Allele frequency attached by ClinVar (database versions not stated): ExAC 0.00002; TOPMed 0.00003; gnomAD 0.00002; gnomAD exomes 0.00002 and 0.00010; ESP Exome Variant Server 0.00008.

Submission:

Martin Pollak Laboratory,  Beth Israel Deaconess Medical Center
Classification: Uncertain significance. Review status: no assertion criteria provided. Collection method: not provided. Allele origin: unknown.
Comment: Higher UCa2+ group
ClinVar note: Converted during submission from unknown to Uncertain significance.

NM_003040.4(SLC4A2):c.94G>A (p.Glu32Lys)

Gene: SLC4A2 (solute carrier family 4 member 2; plus strand). Cytogenetic location: 7q36.1.
Variant type: single nucleotide variant.
Coding change: c.94G>A on transcript NM_003040.4 (MANE Select); coding-DNA position 94, G replaced by A.
Protein change: p.Glu32Lys; replaces glutamic acid 32 with lysine.
Molecular consequence: missense variant.
Genome position (GRCh38, 1-based): chr7:151,064,244, G>A. VCF-style: chr7-151064244-G-A. GRCh37 (hg19) VCF-style: chr7-150761331-G-A.
Other names: c.94G>A, p.Glu32Lys (NM_001199692.3); c.67G>A, p.Glu23Lys (NM_001199693.1); c.52G>A, p.Glu18Lys (NM_001199694.2); short protein forms E32K, E18K, E23K.
Identifiers: ClinVar variation 64519 (VCV000064519.2), dbSNP rs376056989, ClinGen allele CA216327.
Genomic context (GRCh38, chr7:151,064,244, plus strand): 5'-CTGCCTTCTTCCTCACAGCCAGAGCCAGAGAGCTTGGGCCCTGGGACGCCTGGGTTCCCC[G>A]AGCAGGAGGAAGACGAACTTCACCGCACCCTGGGCGTGGAGCGGTTTGAGGAGATCCTAC-3'
Protein context (NP_003031.3, residues 22-42): SLGPGTPGFP[Glu32Lys]QEEDELHRTL